The following is an entry in ClinVar:

NM_000051.4(ATM):c.3603del (p.Phe1201fs)

Gene: ATM (ATM serine/threonine kinase; plus strand). Cytogenetic location: 11q22.3.
Variant type: Deletion.
Coding change: c.3603del on transcript NM_000051.4 (MANE Select); coding-DNA position 3603, one base deleted (T; older notation c.3603delT).
Protein change: p.Phe1201fs; shifts the reading frame from phenylalanine 1201.
Molecular consequence: frameshift variant.
Genome position (GRCh38, 1-based): chr11:108,282,736, T deleted; the last of 4 consecutive T bases (chr11:108,282,733-108,282,736); deleting any one gives the same sequence. VCF-style (leftmost placement, unchanged base first): chr11-108282732-CT-C. GRCh37 (hg19) VCF-style: chr11-108153459-CT-C.
Other names: c.3603delT (NM_000051.3); c.3603del, p.Phe1201fs (NM_001351834.2); short protein forms F1201fs.
Identifiers: ClinVar variation 371256 (VCV000371256.11), dbSNP rs1057517129, ClinGen allele CA16041403.

ClinVar aggregate classification (germline): Pathogenic. Review status: criteria provided, multiple submitters, no conflicts (2 of 4 stars). 4 submissions from 4 submitters: Pathogenic (3). 1 of the submissions does not count toward it. Last evaluated 2024-11-22.

Conditions:
Hereditary cancer-predisposing syndrome. Also called: Tumor predisposition; Hereditary Cancer Syndrome; Hereditary neoplastic syndrome; Neoplastic Syndromes, Hereditary. Identifiers: Orphanet 140162, MedGen C0027672, MeSH D009386, MONDO:0015356.
Familial cancer of breast. Also called: Hereditary breast cancer; BREAST CANCER, FAMILIAL; hereditary breast carcinoma. Identifiers: Orphanet 227535, MedGen C0346153, MONDO:0016419, OMIM 114480. Disease mechanism: loss of function.
Ataxia-telangiectasia syndrome (AT). Also called: ATAXIA-TELANGIECTASIA, COMPLEMENTATION GROUP A; ATAXIA-TELANGIECTASIA, FRESNO VARIANT; Ataxia-telangiectasia; Ataxia telangiectasia (A-T); Cerebello-oculocutaneous telangiectasia; Immunodeficiency with ataxia telangiectasia. Identifiers: Orphanet 100, MedGen C0004135, MONDO:0008840, OMIM 208900.

Submissions (4):

Ambry Genetics
Classification: Pathogenic for Hereditary cancer-predisposing syndrome. Last evaluated: 2024-11-22. Review status: criteria provided, single submitter. Criteria: Ambry Variant Classification Scheme 2023. Collection method: clinical testing. Allele origin: germline.
Comment: The c.3603delT pathogenic mutation, located in coding exon 24 of the ATM gene, results from a deletion of one nucleotide at nucleotide position 3603, causing a translational frameshift with a predicted alternate stop codon (p.F1201Lfs*6). This variant is considered to be rare based on population cohorts in the Genome Aggregation Database (gnomAD). This alteration is expected to result in loss of function by premature protein truncation or nonsense-mediated mRNA decay. As such, this alteration is interpreted as a disease-causing mutation.

Labcorp Genetics (formerly Invitae), Labcorp
Classification: Pathogenic for Ataxia-telangiectasia syndrome. Last evaluated: 2024-08-12. Review status: criteria provided, single submitter. Criteria: Invitae Variant Classification Sherloc (09022015). Collection method: clinical testing. Allele origin: germline.
Comment: This sequence change creates a premature translational stop signal (p.Phe1201Leufs*6) in the ATM gene. It is expected to result in an absent or disrupted protein product. Loss-of-function variants in ATM are known to be pathogenic (PMID: 23807571, 25614872). This variant is not present in population databases (gnomAD no frequency). This variant has not been reported in the literature in individuals affected with ATM-related conditions. ClinVar contains an entry for this variant (Variation ID: 371256). For these reasons, this variant has been classified as Pathogenic.

Myriad Genetics, Inc.
Classification: Pathogenic for Familial cancer of breast. Last evaluated: 2024-01-22. Review status: criteria provided, single submitter. Criteria: Myriad Autosomal Dominant, Autosomal Recessive and X-Linked Classification Criteria (2023). Collection method: clinical testing. Allele origin: unknown.
Comment: This variant is considered pathogenic. This variant creates a frameshift predicted to result in premature protein truncation.

Counsyl
Classification: Likely pathogenic for Ataxia-telangiectasia syndrome. Last evaluated: 2016-08-09. Review status: no assertion criteria provided. Collection method: clinical testing. Allele origin: unknown. Not counted in ClinVar's aggregate classification.

Literature cited by the submitters: PubMed 23807571 (cited by Labcorp Genetics (formerly Invitae), Labcorp); PubMed 25614872 (cited by Labcorp Genetics (formerly Invitae), Labcorp).